The following is an entry in ClinVar:

ClinVar aggregate classification (germline): Uncertain significance (1 of 4 stars; one submission).

Conditions:
Hereditary cancer-predisposing syndrome. Also called: Tumor predisposition; Hereditary Cancer Syndrome; Hereditary neoplastic syndrome; Neoplastic Syndromes, Hereditary. Identifiers: Orphanet 140162, MedGen C0027672, MeSH D009386, MONDO:0015356.

Submission:

Ambry Genetics
Classification: Uncertain significance for Hereditary cancer-predisposing syndrome. Last evaluated: 2026-07-09. Review status: criteria provided, single submitter. Criteria: Ambry Variant Classification Scheme 2023. Collection method: clinical testing. Allele origin: germline.
Comment: The p.Y598C variant (also known as c.1793A>G), located in coding exon 9 of the MEN1 gene, results from an A to G substitution at nucleotide position 1793. The tyrosine at codon 598 is replaced by cysteine, an amino acid with highly dissimilar properties. This amino acid position is highly conserved in available vertebrate species. In addition, this alteration is predicted to be deleterious by in silico analysis. Based on the available evidence, the clinical significance of this variant remains unclear.

NM_001370259.2(MEN1):c.1793A>G (p.Tyr598Cys)

Gene: MEN1 (menin 1; minus strand). Cytogenetic location: 11q13.1.
Variant type: single nucleotide variant.
Coding change: c.1793A>G on transcript NM_001370259.2 (MANE Select); coding-DNA position 1793, A replaced by G.
Protein change: p.Tyr598Cys; replaces tyrosine 598 with cysteine.
Molecular consequence: missense variant. On other transcripts: non-coding transcript variant (4).
Genome position (GRCh38, 1-based): chr11:64,804,374, T>C on the plus strand (A>G on the coding strand, the complement: MEN1 is on the minus strand). VCF-style: chr11-64804374-T-C. GRCh37 (hg19) VCF-style: chr11-64571846-T-C.
Other names: c.1919A>G, p.Tyr640Cys (NM_001407144.1, NM_001370251.2, NM_001407142.1 and 1 more transcripts); c.1808A>G, p.Tyr603Cys (NM_001407145.1, NM_000244.4, NM_130800.3 and 4 more transcripts); c.1793A>G, p.Tyr598Cys (NM_001407146.1, NM_001407147.1, NM_001370260.2 and 2 more transcripts); c.1688A>G, p.Tyr563Cys (NM_001407148.1, NM_001407149.1, NM_001370262.2 and 1 more transcripts); c.1934A>G, p.Tyr645Cys (NM_001407150.1); c.1814A>G, p.Tyr605Cys (NM_001407151.1); c.1628A>G, p.Tyr543Cys (NM_001407152.1); short protein forms Y563C, Y605C, Y598C, Y645C, Y543C, Y603C, Y640C.
Identifiers: ClinVar variation 3394952 (VCV003394952.2).